The following is an entry in ClinVar:

NM_006231.4(POLE):c.4716G>A (p.Leu1572=)

Gene: POLE (DNA polymerase epsilon, catalytic subunit; minus strand). Cytogenetic location: 12q24.33.
Variant type: single nucleotide variant.
Coding change: c.4716G>A on transcript NM_006231.4 (MANE Select); coding-DNA position 4716, G replaced by A.
Protein change: p.Leu1572=; no amino-acid change (leucine 1572 retained).
Molecular consequence: synonymous variant.
Genome position (GRCh38, 1-based): chr12:132,642,832, C>T on the plus strand (G>A on the coding strand, the complement: POLE is on the minus strand). VCF-style: chr12-132642832-C-T. GRCh37 (hg19) VCF-style: chr12-133219418-C-T.
Identifiers: ClinVar variation 240535 (VCV000240535.18), dbSNP rs138782478, ClinGen allele CA6892740.

ClinVar aggregate classification (germline): Benign/Likely benign. Review status: criteria provided, multiple submitters, no conflicts (2 of 4 stars). 5 submissions from 5 submitters: Benign (1); Likely benign (4). Last evaluated 2026-01-20.

Conditions:
Hereditary cancer-predisposing syndrome. Also called: Neoplastic Syndromes, Hereditary; Hereditary Cancer Syndrome; Tumor predisposition; Hereditary neoplastic syndrome. Identifiers: Orphanet 140162, MedGen C0027672, MeSH D009386, MONDO:0015356.
Colorectal cancer, susceptibility to, 12 (CRCS12). Also called: COLORECTAL CANCER, SUSCEPTIBILITY TO, ON CHROMOSOME 12q24. Identifiers: Orphanet 220460, MedGen C3554460, MONDO:0014038, OMIM 615083.

Allele frequency attached by ClinVar (database versions not stated): gnomAD exomes below 0.00001 and 0.00001; ExAC 0.00001; gnomAD 0.00001; TOPMed 0.00002; ESP Exome Variant Server 0.00008; 1000 Genomes Project 30x 0.00016.
gnomAD v4.1: 12 of 1,614,012 alleles (0.00074%); highest among the groups gnomAD compares: African/African-American, 0.013%; no homozygotes.

Submissions (5):

Labcorp Genetics (formerly Invitae), Labcorp
Classification: Likely benign. Last evaluated: 2026-01-20. Review status: criteria provided, single submitter. Criteria: Invitae Variant Classification Sherloc (09022015). Collection method: clinical testing. Allele origin: germline.

KCCC/NGS Laboratory, Kuwait Cancer Control Center
Classification: Benign for Colorectal cancer, susceptibility to, 12. Last evaluated: 2025-02-01. Review status: criteria provided, single submitter. Criteria: ACMG Guidelines, 2015. Collection method: clinical testing. Allele origin: germline. Affected: no.

Blueprint Genetics
Classification: Likely benign. Last evaluated: 2024-01-05. Review status: criteria provided, single submitter. Criteria: ACMG Guidelines, 2015. Collection method: clinical testing. Allele origin: germline.

GeneDx
Classification: Likely benign. Last evaluated: 2017-12-21. Review status: criteria provided, single submitter. Criteria: GeneDx Variant Classification (06012015). Collection method: clinical testing. Allele origin: germline. Affected: yes.
Comment: This variant is considered likely benign or benign based on one or more of the following criteria: it is a conservative change, it occurs at a poorly conserved position in the protein, it is predicted to be benign by multiple in silico algorithms, and/or has population frequency not consistent with disease.

Ambry Genetics
Classification: Likely benign for Hereditary cancer-predisposing syndrome. Last evaluated: 2017-04-18. Review status: criteria provided, single submitter. Criteria: Ambry Variant Classification Scheme 2023. Collection method: clinical testing. Allele origin: germline.